The following is an entry in ClinVar:

NM_001029.5(RPS26):c.221G>A (p.Cys74Tyr)

Gene: RPS26 (ribosomal protein S26; plus strand). Cytogenetic location: 12q13.2.
Variant type: single nucleotide variant.
Coding change: c.221G>A on transcript NM_001029.5 (MANE Select); coding-DNA position 221, G replaced by A.
Protein change: p.Cys74Tyr; replaces cysteine 74 with tyrosine.
Molecular consequence: missense variant.
Genome position (GRCh38, 1-based): chr12:56,043,402, G>A. VCF-style: chr12-56043402-G-A. GRCh37 (hg19) VCF-style: chr12-56437186-G-A.
Other names: short protein forms C74Y.
Identifiers: ClinVar variation 1787909 (VCV001787909.2), dbSNP rs2540723571, ClinGen allele CA385326901.

ClinVar aggregate classification (germline): Likely pathogenic (1 of 4 stars; one submission).

Conditions:
Diamond-Blackfan anemia. Also called: Blackfan Diamond syndrome; Aregenerative anemia chronic congenital; Red cell aplasia, pure hereditary; Congenital hypoplastic anemia; Aase syndrome. Identifiers: Orphanet 124, MedGen C1260899, MeSH D029503, MONDO:0015253, HP:0004810.

Submission:

Ambry Genetics
Classification: Likely pathogenic for Diamond-Blackfan anemia. Last evaluated: 2018-11-01. Review status: criteria provided, single submitter. Criteria: Ambry Variant Classification Scheme 2023. Collection method: clinical testing. Allele origin: germline.
Comment: The p.C74Y variant (also known as c.221G>A), located in coding exon 3 of the RPS26 gene, results from a G to A substitution at nucleotide position 221. The cysteine at codon 74 is replaced by tyrosine, an amino acid with highly dissimilar properties. This variant has been determined to be the result of a de novo mutation or germline mosaicism in one family with an isolated case of Diamond-Blackfan anemia. Based on internal structural analysis, this variant is anticipated to disrupt a region of known function (Yamamoto H et al. EMBO J., 2015 Dec;34:3042-58). This variant was not reported in the gnomAD database, with coverage at this position. In addition, this alteration is predicted to be deleterious by in silico analysis. Based on the majority of available evidence to date, this variant is likely to be pathogenic.

Literature cited by the submitters: PubMed 26604301; PubMed 27329125.